The following is an entry in ClinVar:

NR_033294.2(SNORD118):n.58A>G

Genes: SNORD118 (small nucleolar RNA, C/D box 118; minus strand), TMEM107 (transmembrane protein 107; minus strand). Cytogenetic location: 17p13.1.
Variant type: single nucleotide variant.
Molecular consequence: non-coding transcript variant (on NR_033294.2). On other transcripts: 3 prime UTR variant (5).
Genome position: GRCh38 VCF-style: chr17-8173531-T-C. GRCh37 (hg19) VCF-style: chr17-8076849-T-C.
Other names: c.*672A>G (NM_001351278.2, NM_001351279.2, NM_001351280.2 and 2 more transcripts).
Identifiers: ClinVar variation 265787 (VCV000265787.7), dbSNP rs755495846, ClinGen allele CA8370714.

ClinVar aggregate classification (germline): Conflicting classifications of pathogenicity. Review status: criteria provided, conflicting classifications (1 of 4 stars). 4 submissions from 4 submitters: Likely pathogenic (1); Uncertain significance (1). 2 of the submissions do not count toward it. Last evaluated 2022-04-07.

Conditions:
Leukoencephalopathy with calcifications and cysts. Also called: LABRUNE SYNDROME; Leukoencephalopathy, brain calcifications, and cysts. Identifiers: Orphanet 542310, MedGen C3281200, MONDO:0013803, OMIM 614561.
SNORD118-related disorders.

Allele frequency attached by ClinVar (database versions not stated): TOPMed 0.00002.
gnomAD v4.1: 18 of 765,312 alleles (0.0024%); highest among the groups gnomAD compares: South Asian, 0.0054%; no homozygotes.

Submissions (4):

Labcorp Genetics (formerly Invitae), Labcorp
Classification: Uncertain significance. Last evaluated: 2022-04-07. Review status: criteria provided, single submitter. Criteria: Invitae Variant Classification Sherloc (09022015). Collection method: clinical testing. Allele origin: germline.
Comment: Experimental studies have shown that this variant affects SNORD118 function (PMID: 27571260). In summary, the available evidence is currently insufficient to determine the role of this variant in disease. Therefore, it has been classified as a Variant of Uncertain Significance. Algorithms developed to predict the effect of variants on protein structure and function are not available or were not evaluated for this variant. ClinVar contains an entry for this variant (Variation ID: 265787). This variant has been observed in individual(s) with clinical features of leukoencephalopathy with brain calcifications and cysts (PMID: 27571260, 33029936). This variant is present in population databases (rs755495846, gnomAD 0.01%). This variant occurs in the SNORD118 gene, which encodes an RNA molecule that does not result in a protein product.

Blueprint Genetics
Classification: Likely pathogenic for SNORD118-related disorders. Last evaluated: 2020-08-12. Review status: criteria provided, single submitter. Criteria: ACMG Guidelines, 2015. Collection method: clinical testing. Allele origin: germline. Affected: yes. Observed: 3 variant alleles.

Laboratory of Neurogenetics and Neuroinflammation, Institut Imagine
Classification: Pathogenic for Leukoencephalopathy, brain calcifications, and cysts. Last evaluated: 2020-04-06. Review status: no assertion criteria provided. Collection method: clinical testing. Allele origin: germline. Affected: yes. Observed: 2 variant alleles. Not counted in ClinVar's aggregate classification.

OMIM
Classification: Pathogenic for LEUKOENCEPHALOPATHY, BRAIN CALCIFICATIONS, AND CYSTS. Last evaluated: 2016-10-10. Review status: no assertion criteria provided. Collection method: literature only. Allele origin: germline. Not counted in ClinVar's aggregate classification.

Literature cited by the submitters: PubMed 27571260 (cited by Labcorp Genetics (formerly Invitae), Labcorp and OMIM); PubMed 33029936 (cited by Labcorp Genetics (formerly Invitae), Labcorp).